The following is an entry in ClinVar:

NM_001032283.3(TMPO):c.565+1591G>A

Gene: TMPO (thymopoietin; plus strand). Cytogenetic location: 12q23.1.
Variant type: single nucleotide variant.
Coding change: c.565+1591G>A on transcript NM_001032283.3 (MANE Select); 1591 bases into the intron after coding-DNA position 565, G replaced by A.
Molecular consequence: intron variant. On other transcripts: missense variant (1).
Genome position (GRCh38, 1-based): chr12:98,533,429, G>A. VCF-style: chr12-98533429-G-A. GRCh37 (hg19) VCF-style: chr12-98927207-G-A.
Other names: c.565+1591G>A (NM_001307975.2, NM_001032284.3); c.1172G>A, p.Gly391Asp (NM_003276.2); short protein forms G391D.
Identifiers: ClinVar variation 4841710 (VCV004841710.1).

ClinVar aggregate classification (germline): Uncertain significance (1 of 4 stars; one submission).

Submission:

Ambry Genetics
Classification: Uncertain significance. Last evaluated: 2026-02-24. Review status: criteria provided, single submitter. Criteria: Ambry Variant Classification Scheme 2023. Collection method: clinical testing. Allele origin: germline.
Comment: The p.G391D variant (also known as c.1172G>A), located in coding exon 4 of the TMPO gene, results from a G to A substitution at nucleotide position 1172. The glycine at codon 391 is replaced by aspartic acid, an amino acid with similar properties. This amino acid position is conserved. In addition, this alteration is predicted to be tolerated by in silico analysis. Based on the available evidence, the clinical significance of this variant remains unclear.